The following is an entry in ClinVar:

ClinVar aggregate classification (germline): Pathogenic (1 of 4 stars; one submission).

Submission:

GeneDx
Classification: Pathogenic. Last evaluated: 2015-04-14. Review status: criteria provided, single submitter. Criteria: GeneDx Variant Classification (06012015). Collection method: clinical testing. Allele origin: germline. Affected: yes.
Comment: The c.1928_1952del25 mutation in the ELN gene, denoted as c.2114_2138del25 due to a difference in nomenclature, has been previously published in association with cutis laxa and aortic aneurysm (Szabo et al., 2006). The c.1928_1952del25 mutation causes a frameshift starting with codon Glycine 643, changes this amino acid to a Glutamic Acid residue and creates a premature Stop codon at position 36 of the new reading frame, denoted p.Gly643GlufsX36. Expression studies have shown that the c.2114_2138del25 (c.1928_1952del25) mutation creates either a truncated protein product with a premature termination codon in exon 32 or an extended product lacking the sequence encoded by exon 32 as a result of normal alternative splicing but containing exons 30, 31, 33, 34 and part of the 3'-untranslated region of ELN (Szabo et al., 2006). Transgenic mice created using the elongated transcript were found to have severe respiratory distress, emphysema, abnormal lung mechanics, smaller size and higher mortality rate (Hu et al., 2010). Additionally, markers for TGF-beta signalling and the unfolded protein response were elevated and an increase in apoptosis was observed in the lungs of the mutant mice (Hu et al., 2010). Other frameshift mutations and gross deletions in the ELN gene have been reported in association with supravalvular aortic stenosis and cutis laxa. This variant was found in ELN

NM_000501.4(ELN):c.1928_1952del (p.Gly643fs)

Gene: ELN (elastin; plus strand). Cytogenetic location: 7q11.23.
Variant type: Deletion.
Coding change: c.1928_1952del on transcript NM_000501.4 (MANE Select); coding-DNA positions 1928 to 1952, 25 bases deleted (GAGCCGCTGGGCTCGGAGGACTCGG).
Protein change: p.Gly643fs; shifts the reading frame from glycine 643.
Molecular consequence: frameshift variant.
Genome position (GRCh38, 1-based): chr7:74,063,630-74,063,654, GAGCCGCTGGGCTCGGAGGACTCGG deleted; deleting any 25 consecutive bases within chr7:74,063,628-74,063,654 gives the same sequence; the c. name uses the placement nearest the transcript's 3' end. VCF-style (leftmost placement, unchanged base first): chr7-74063627-TGGGAGCCGCTGGGCTCGGAGGACTC-T. GRCh37 (hg19) VCF-style: chr7-73477957-TGGGAGCCGCTGGGCTCGGAGGACTC-T.
Other names: c.1841_1865del, p.Gly614fs (NM_001081752.3); c.1886_1910del, p.Gly629fs (NM_001081753.3); c.1943_1967del, p.Gly648fs (NM_001081754.3); c.1871_1895del, p.Gly624fs (NM_001081755.3); c.1928_1952del, p.Gly643fs (NM_001278912.2); c.1685_1709del, p.Gly562fs (NM_001278913.2); c.1856_1880del, p.Gly619fs (NM_001278914.2); c.1946_1970del, p.Gly649fs (NM_001278915.2); and 4 more; short protein forms G562fs, G614fs, G643fs, G649fs, G629fs, G633fs, G554fs, G624fs.
Identifiers: ClinVar variation 213191 (VCV000213191.2), dbSNP rs863223524, ClinGen allele CA322210.
Genomic context (GRCh38, chr7:74,063,627, plus strand): 5'-GCTTCAGTCCCACCTTTCTGACCAGCGGAGTCTAATGCTCAGCTGTCTCCACAGGCCTAG[TGGGAGCCGCTGGGCTCGGAGGACTC>T]GGAGTCGGAGGGCTTGGAGTTCCAGGTGTTGGGGGCCTTGGAGGTGAGAGTTGTTCTGAA-3'